The following is an entry in ClinVar:

NM_004364.5(CEBPA):c.1000G>C (p.Glu334Gln)

Gene: CEBPA (CCAAT enhancer binding protein alpha; minus strand). Cytogenetic location: 19q13.11.
Variant type: single nucleotide variant.
Coding change: c.1000G>C on transcript NM_004364.5 (MANE Select); coding-DNA position 1000, G replaced by C.
Protein change: p.Glu334Gln; replaces glutamic acid 334 with glutamine.
Molecular consequence: missense variant.
Genome position (GRCh38, 1-based): chr19:33,301,415, C>G on the plus strand (G>C on the coding strand, the complement: CEBPA is on the minus strand). VCF-style: chr19-33301415-C-G. GRCh37 (hg19) VCF-style: chr19-33792321-C-G.
Other names: c.1000G>C (NM_004364.3); c.643G>C, p.Glu215Gln (NM_001285829.2); c.1105G>C, p.Glu369Gln (NM_001287424.2); c.958G>C, p.Glu320Gln (NM_001287435.2); short protein forms E334Q, E320Q, E215Q, E369Q.
Identifiers: ClinVar variation 576652 (VCV000576652.10), dbSNP rs369632687, ClinGen allele CA307844106.

ClinVar aggregate classification (germline): Uncertain significance. Review status: criteria provided, multiple submitters, no conflicts (2 of 4 stars). 2 submissions from 2 submitters: Uncertain significance (2). Last evaluated 2025-01-17.

Conditions:
Acute myeloid leukemia (AML). Also called: Leukemia, acute myeloid, somatic; Leukemia, acute myelogenous, somatic; Acute myeloid leukemia, adult; AML adult; Acute non-lymphocytic leukemia; Acute granulocytic leukemia. Identifiers: Orphanet 519, MedGen C0023467, MeSH D015470, MONDO:0018874, OMIM 601626, HP:0004808. Disease mechanism: Constitutively activated FLT3.
Inborn genetic diseases. Identifiers: MedGen C0950123, MeSH D030342.

Allele frequency attached by ClinVar (database versions not stated): gnomAD 0.00001; TOPMed 0.00002; ESP Exome Variant Server 0.00008.

Submissions (2):

Ambry Genetics
Classification: Uncertain significance for Inborn genetic diseases. Last evaluated: 2025-01-17. Review status: criteria provided, single submitter. Criteria: Ambry Variant Classification Scheme 2023. Collection method: clinical testing. Allele origin: germline.
Comment: The p.E334Q variant (also known as c.1000G>C), located in coding exon 1 of the CEBPA gene, results from a G to C substitution at nucleotide position 1000. The glutamic acid at codon 334 is replaced by glutamine, an amino acid with highly similar properties. This amino acid position is conserved. In addition, the in silico prediction for this alteration is inconclusive. Based on the available evidence, the clinical significance of this variant remains unclear.

Labcorp Genetics (formerly Invitae), Labcorp
Classification: Uncertain significance for Acute myeloid leukemia. Last evaluated: 2020-09-30. Review status: criteria provided, single submitter. Criteria: Invitae Variant Classification Sherloc (09022015). Collection method: clinical testing. Allele origin: germline.
Comment: In summary, the available evidence is currently insufficient to determine the role of this variant in disease. Therefore, it has been classified as a Variant of Uncertain Significance. Algorithms developed to predict the effect of missense changes on protein structure and function (SIFT, PolyPhen-2, Align-GVGD) all suggest that this variant is likely to be disruptive, but these predictions have not been confirmed by published functional studies and their clinical significance is uncertain. This variant has not been reported in the literature in individuals with CEBPA-related disease. This variant is not present in population databases (ExAC no frequency). This sequence change replaces glutamic acid with glutamine at codon 334 of the CEBPA protein (p.Glu334Gln). The glutamic acid residue is highly conserved and there is a small physicochemical difference between glutamic acid and glutamine.